The following is an entry in ClinVar:

ClinVar aggregate classification (germline): Uncertain significance (1 of 4 stars; one submission).

Conditions:
Inborn genetic diseases. Identifiers: MedGen C0950123, MeSH D030342.

gnomAD v4.1: 2 of 1,611,714 alleles (0.00012%); highest among the groups gnomAD compares: East Asian, 0.0022%; no homozygotes.

Submission:

Ambry Genetics
Classification: Uncertain significance for Inborn genetic diseases. Last evaluated: 2025-06-22. Review status: criteria provided, single submitter. Criteria: Ambry Variant Classification Scheme 2023. Collection method: clinical testing. Allele origin: germline.
Comment: The p.P268A variant (also known as c.802C>G), located in coding exon 6 of the G6PC3 gene, results from a C to G substitution at nucleotide position 802. The proline at codon 268 is replaced by alanine, an amino acid with highly similar properties. This amino acid position is conserved. In addition, the in silico prediction for this alteration is inconclusive. Based on the available evidence, the clinical significance of this variant remains unclear.

NM_138387.4(G6PC3):c.802C>G (p.Pro268Ala)

Gene: G6PC3 (glucose-6-phosphatase catalytic subunit 3; plus strand). Cytogenetic location: 17q21.31.
Variant type: single nucleotide variant.
Coding change: c.802C>G on transcript NM_138387.4 (MANE Select); coding-DNA position 802, C replaced by G.
Protein change: p.Pro268Ala; replaces proline 268 with alanine.
Molecular consequence: missense variant. On other transcripts: 3 prime UTR variant (1).
Genome position (GRCh38, 1-based): chr17:44,075,804, C>G. VCF-style: chr17-44075804-C-G. GRCh37 (hg19) VCF-style: chr17-42153172-C-G.
Other names: c.*95C>G (NM_001319945.2); c.457C>G, p.Pro153Ala (NM_001384165.1, NM_001384166.1, NM_001384167.1 and 1 more transcripts); short protein forms P268A, P153A.
Identifiers: ClinVar variation 4260971 (VCV004260971.1).
Genomic context (GRCh38, chr17:44,075,804, plus strand): 5'-TTTGCCTCCCTGAGCCGTGACTCAGGGGCTGCCCTGGGCCTGGGCATTGCCTTGCACTCT[C>G]CCTGCTATGCCCAGGTGCGTCGGGCACAGCTGGGAAATGGCCAGAAGATAGCCTGCCTTG-3'
Protein context (NP_612396.1, residues 258-278): ALGLGIALHS[Pro268Ala]CYAQVRRAQL